The following is an entry in ClinVar:

ClinVar aggregate classification (germline): Likely benign. Review status: criteria provided, multiple submitters, no conflicts (2 of 4 stars). 3 submissions from 3 submitters: Likely benign (3). Last evaluated 2025-12-29.

Conditions:
PDE6C-related disorder. Also called: PDE6C-related condition.

Allele frequency attached by ClinVar (database versions not stated): gnomAD 0.00001; TOPMed 0.00001.
gnomAD v4.1: 30 of 1,614,020 alleles (0.0019%); highest among the groups gnomAD compares: Middle Eastern, 0.066%; no homozygotes.

Submissions (3):

Labcorp Genetics (formerly Invitae), Labcorp
Classification: Likely benign. Last evaluated: 2025-12-29. Review status: criteria provided, single submitter. Criteria: Invitae Variant Classification Sherloc (09022015). Collection method: clinical testing. Allele origin: germline.

PreventionGenetics, part of Exact Sciences
Classification: Likely benign for PDE6C-related condition. Last evaluated: 2025-07-03. Review status: criteria provided, single submitter. Criteria: ACMG Guidelines, 2015. Collection method: clinical testing. Allele origin: germline.
Comment: This variant is classified as likely benign based on ACMG/AMP sequence variant interpretation guidelines (Richards et al. 2015 PMID: 25741868, with internal and published modifications).

Blueprint Genetics
Classification: Likely benign. Last evaluated: 2024-03-19. Review status: criteria provided, single submitter. Criteria: ACMG Guidelines, 2015. Collection method: clinical testing. Allele origin: germline.

NM_006204.4(PDE6C):c.1212A>C (p.Thr404=)

Gene: PDE6C (phosphodiesterase 6C; plus strand). Cytogenetic location: 10q23.33.
Variant type: single nucleotide variant.
Coding change: c.1212A>C on transcript NM_006204.4 (MANE Select); coding-DNA position 1212, A replaced by C.
Protein change: p.Thr404=; no amino-acid change (threonine 404 retained).
Molecular consequence: synonymous variant.
Genome position (GRCh38, 1-based): chr10:93,634,850, A>C. VCF-style: chr10-93634850-A-C. GRCh37 (hg19) VCF-style: chr10-95394607-A-C.
Other names: c.1212A>C (NM_006204.3).
Identifiers: ClinVar variation 1923404 (VCV001923404.7), dbSNP rs764573887, ClinGen allele CA5610110.